The following is an entry in ClinVar:

NM_001378778.1(MPDZ):c.5829+4A>G

Gene: MPDZ (multiple PDZ domain crumbs cell polarity complex component; minus strand). Cytogenetic location: 9p23.
Variant type: single nucleotide variant.
Coding change: c.5829+4A>G on transcript NM_001378778.1 (MANE Select); 4 bases into the intron after coding-DNA position 5829, A replaced by G.
Molecular consequence: intron variant.
Genome position (GRCh38, 1-based): chr9:13,110,632, T>C on the plus strand (A>G on the coding strand, the complement: MPDZ is on the minus strand). VCF-style: chr9-13110632-T-C. GRCh37 (hg19) VCF-style: chr9-13110631-T-C.
Other names: c.5532+4A>G (NM_001375425.1, NM_001375426.1); c.5619+4A>G (NM_001375420.1, NM_001375423.1, NM_001375424.1 and 2 more transcripts); c.5643+4A>G (NM_001375419.1, NM_001261407.2); c.5730+4A>G (NM_001375416.1, NM_001375418.1, NM_001261406.2 and 1 more transcripts); c.5829+4A>G (NM_001330637.2); c.5421+4A>G (NM_001375427.1); c.5742+4A>G (NM_003829.5); c.5928+4A>G (NM_001375413.1).
Identifiers: ClinVar variation 1440704 (VCV001440704.4), dbSNP rs775898143, ClinGen allele CA4986102.
Genomic context (GRCh38, chr9:13,110,632, plus strand): 5'-CATCAAAGCTCATGTGTCTTCAGGCTACCTATATTCTGAATTATGCTTGGGATAAAAATC[T>C]TACCTGCATTTCAATGGAGCCAGATGCATTTTTCAGTAGGTTAACTGCTTGGGTGTGAGT-3'

ClinVar aggregate classification (germline): Uncertain significance (1 of 4 stars; one submission).

Allele frequency attached by ClinVar (database versions not stated): gnomAD exomes 0.00002 and 0.00005; ExAC 0.00007.
gnomAD v4.1: 35 of 1,611,068 alleles (0.0022%); highest among the groups gnomAD compares: South Asian, 0.033%; no homozygotes.

Submission:

Labcorp Genetics (formerly Invitae), Labcorp
Classification: Uncertain significance. Last evaluated: 2021-05-19. Review status: criteria provided, single submitter. Criteria: Invitae Variant Classification Sherloc (09022015). Collection method: clinical testing. Allele origin: germline.
Comment: Nucleotide substitutions within the consensus splice site are a relatively common cause of aberrant splicing (PMID: 17576681, 9536098). Algorithms developed to predict the effect of sequence changes on RNA splicing suggest that this variant is not likely to affect RNA splicing, but this prediction has not been confirmed by published transcriptional studies. In summary, the available evidence is currently insufficient to determine the role of this variant in disease. Therefore, it has been classified as a Variant of Uncertain Significance. This variant has not been reported in the literature in individuals with MPDZ-related conditions. This variant is present in population databases (rs775898143, ExAC 0.05%). This sequence change falls in intron 43 of the MPDZ gene. It does not directly change the encoded amino acid sequence of the MPDZ protein. It affects a nucleotide within the consensus splice site of the intron.

Literature cited by the submitters: PubMed 17576681; PubMed 9536098.